The following is an entry in ClinVar:

NM_007186.6(CEP250):c.898G>C (p.Glu300Gln)

Gene: CEP250 (centrosomal protein 250; plus strand). Cytogenetic location: 20q11.22.
Variant type: single nucleotide variant.
Coding change: c.898G>C on transcript NM_007186.6 (MANE Select); coding-DNA position 898, G replaced by C.
Protein change: p.Glu300Gln; replaces glutamic acid 300 with glutamine.
Molecular consequence: missense variant. On other transcripts: 5 prime UTR variant (1).
Genome position (GRCh38, 1-based): chr20:35,469,936, G>C. VCF-style: chr20-35469936-G-C. GRCh37 (hg19) VCF-style: chr20-34057761-G-C.
Other names: c.-1002G>C (NM_001318219.1); short protein forms E300Q.
Identifiers: ClinVar variation 1992508 (VCV001992508.4), dbSNP rs2062983049, ClinGen allele CA408758156.

ClinVar aggregate classification (germline): Uncertain significance (1 of 4 stars; one submission).

Allele frequency attached by ClinVar (database versions not stated): TOPMed 0.00002.

Submission:

Labcorp Genetics (formerly Invitae), Labcorp
Classification: Uncertain significance. Last evaluated: 2022-10-17. Review status: criteria provided, single submitter. Criteria: Invitae Variant Classification Sherloc (09022015). Collection method: clinical testing. Allele origin: germline.
Comment: In summary, the available evidence is currently insufficient to determine the role of this variant in disease. Therefore, it has been classified as a Variant of Uncertain Significance. Algorithms developed to predict the effect of missense changes on protein structure and function are either unavailable or do not agree on the potential impact of this missense change (SIFT: "Not Available"; PolyPhen-2: "Possibly Damaging"; Align-GVGD: "Not Available"). This variant has not been reported in the literature in individuals affected with CEP250-related conditions. This variant is not present in population databases (gnomAD no frequency). This sequence change replaces glutamic acid, which is acidic and polar, with glutamine, which is neutral and polar, at codon 300 of the CEP250 protein (p.Glu300Gln).